The following is an entry in ClinVar:

NM_001267550.2(TTN):c.28813G>A (p.Glu9605Lys)

Gene: TTN (titin; minus strand). Cytogenetic location: 2q31.2.
Variant type: single nucleotide variant.
Coding change: c.28813G>A on transcript NM_001267550.2 (MANE Select); coding-DNA position 28813, G replaced by A.
Protein change: p.Glu9605Lys; replaces glutamic acid 9605 with lysine.
Molecular consequence: missense variant. On other transcripts: intron variant (3).
Genome position (GRCh38, 1-based): chr2:178,707,754, C>T on the plus strand (G>A on the coding strand, the complement: TTN is on the minus strand). VCF-style: chr2-178707754-C-T. GRCh37 (hg19) VCF-style: chr2-179572481-C-T.
Other names: c.27862G>A, p.Glu9288Lys (NM_001256850.1); c.25081G>A, p.Glu8361Lys (NM_133378.4); c.13282+30328G>A (NM_003319.4); c.13858+30328G>A (NM_133437.4); c.13657+30328G>A (NM_133432.3); short protein forms E8361K, E9288K, E9605K.
Identifiers: ClinVar variation 4076648 (VCV004076648.1).
Genomic context (GRCh38, chr2:178,707,754, plus strand): 5'-TCAACCACTGGATCCTAATTGGCTCAGATCCCTGGACATGGCAGCTGAGCTGCACGTATT[C>T]TCCTTCACTCACTGTTACTGGAGTAAGGTGCTGATCAAATACAGGTGGCTTCTTAGGTTC-3'
Protein context (NP_001254479.2, residues 9595-9615): HLTPVTVSEG[Glu9605Lys]YVQLSCHVQG

ClinVar aggregate classification (germline): Uncertain significance (1 of 4 stars; one submission).

Submission:

GeneDx
Classification: Uncertain significance. Last evaluated: 2025-02-25. Review status: criteria provided, single submitter. Criteria: GeneDx Variant Classification Process June 2021. Collection method: clinical testing. Allele origin: germline. Affected: yes.
Comment: Not observed at significant frequency in large population cohorts (gnomAD); Missense variant in a gene in which most reported pathogenic variants are truncating/loss of function; Has not been previously published as pathogenic or benign to our knowledge